The following is an entry in ClinVar:

NM_152564.5(VPS13B):c.1769C>T (p.Ala590Val)

Gene: VPS13B (vacuolar protein sorting 13 homolog B; plus strand). Cytogenetic location: 8q22.2.
Variant type: single nucleotide variant.
Coding change: c.1769C>T on transcript NM_152564.5 (MANE Select); coding-DNA position 1769, C replaced by T.
Protein change: p.Ala590Val; replaces alanine 590 with valine.
Molecular consequence: missense variant.
Genome position (GRCh38, 1-based): chr8:99,143,091, C>T. VCF-style: chr8-99143091-C-T. GRCh37 (hg19) VCF-style: chr8-100155319-C-T.
Other names: c.1769C>T, p.Ala590Val (NM_015243.3, NM_017890.5); c.1769C>T (NM_152564.4); short protein forms A590V.
Identifiers: ClinVar variation 911329 (VCV000911329.14), dbSNP rs182397346, ClinGen allele CA4822736.

ClinVar aggregate classification (germline): Uncertain significance. Review status: criteria provided, multiple submitters, no conflicts (2 of 4 stars). 7 submissions from 7 submitters: Uncertain significance (5). 2 of the submissions do not count toward it. Last evaluated 2026-06-20.

Conditions:
VPS13B-related disorder. Also called: VPS13B-related condition.
Cohen syndrome (COH1). Also called: Cutis verticis gyrata, retinitis pigmentosa, and sensorineural deafness; PEPPER SYNDROME. Identifiers: Orphanet 193, MedGen C0265223, MONDO:0008999, OMIM 216550.

Allele frequency attached by ClinVar (database versions not stated): ExAC 0.00005; TOPMed 0.00006; 1000 Genomes Project 0.00020; 1000 Genomes Project 30x 0.00031.
gnomAD v4.1: 45 of 1,613,916 alleles (0.0028%); highest among the groups gnomAD compares: East Asian, 0.018%; 1 homozygote.

Submissions (7):

PreventionGenetics, part of Exact Sciences
Classification: Uncertain significance for VPS13B-related condition. Last evaluated: 2026-06-20. Review status: criteria provided, single submitter. Criteria: ACMG Guidelines, 2015. Collection method: clinical testing. Allele origin: germline.
Comment: The VPS13B c.1769C>T variant is predicted to result in the amino acid substitution p.Ala590Val. To our knowledge, this variant has not been reported in the literature. This variant is reported in 0.020% of alleles in individuals of East Asian descent in gnomAD. An alternative variant at the same amino acid (p.Ala590Thr) has been reported in one patient with Cohen syndrome (Katzaki et al. 2007. PubMed ID: 17990063). At this time, the clinical significance of this variant is uncertain due to the absence of conclusive functional and genetic evidence.

Blueprint Genetics
Classification: Uncertain significance. Last evaluated: 2024-09-18. Review status: criteria provided, single submitter. Criteria: ACMG Guidelines, 2015. Collection method: clinical testing. Allele origin: germline.

Labcorp Genetics (formerly Invitae), Labcorp
Classification: Uncertain significance for Cohen syndrome. Last evaluated: 2022-09-02. Review status: criteria provided, single submitter. Criteria: Invitae Variant Classification Sherloc (09022015). Collection method: clinical testing. Allele origin: germline.
Comment: This sequence change replaces alanine, which is neutral and non-polar, with valine, which is neutral and non-polar, at codon 590 of the VPS13B protein (p.Ala590Val). This variant is present in population databases (rs182397346, gnomAD 0.02%), including at least one homozygous and/or hemizygous individual. This variant has not been reported in the literature in individuals affected with VPS13B-related conditions. ClinVar contains an entry for this variant (Variation ID: 911329). Algorithms developed to predict the effect of missense changes on protein structure and function are either unavailable or do not agree on the potential impact of this missense change (SIFT: "Not Available"; PolyPhen-2: "Possibly Damaging"; Align-GVGD: "Not Available"). In summary, the available evidence is currently insufficient to determine the role of this variant in disease. Therefore, it has been classified as a Variant of Uncertain Significance.

New York Genome Center
Classification: Uncertain significance for Cohen syndrome. Last evaluated: 2021-12-17. Review status: criteria provided, single submitter. Criteria: NYGC Assertion Criteria 2020. Collection method: clinical testing. Allele origin: germline. Observed: 1 heterozygote.

Illumina Laboratory Services, Illumina
Classification: Uncertain significance for Cohen syndrome. Last evaluated: 2018-01-12. Review status: criteria provided, single submitter. Criteria: ICSL Variant Classification Criteria 13 December 2019. Collection method: clinical testing. Allele origin: germline.

Natera, Inc.
Classification: Uncertain significance for Cohen syndrome. Last evaluated: 2020-03-04. Review status: no assertion criteria provided. Collection method: clinical testing. Allele origin: germline. Not counted in ClinVar's aggregate classification.

Department of Pathology and Laboratory Medicine, Sinai Health System
Classification: Uncertain significance. Review status: no assertion criteria provided. Collection method: clinical testing. Allele origin: unknown. Affected: yes. Study: The Canadian Open Genetics Repository (COGR). Not counted in ClinVar's aggregate classification.
Comment: The VPS13B p.Ala590Val variant was not identified in the literature nor was it identified in ClinVar, Cosmic or LOVD 3.0. The variant was identified in dbSNP (ID: rs182397346) and was also found in control databases in 15 of 282702 chromosomes (1 homozygous) at a frequency of 0.000053 (Genome Aggregation Database Feb 27, 2017). The variant was observed in the following populations: East Asian in 4 of 19954 chromosomes (freq: 0.000201), South Asian in 5 of 30614 chromosomes (freq: 0.000163), African in 2 of 24956 chromosomes (freq: 0.00008) and European (non-Finnish) in 4 of 129038 chromosomes (freq: 0.000031), while the variant was not observed in the Latino, Ashkenazi Jewish, European (Finnish) and Other populations. The variant occurs outside of the splicing consensus sequence and 3 of 4 in silico or computational prediction software programs (SpliceSiteFinder, NNSPLICE, GeneSplicer) do not predict a greater than 10% difference in splicing. The p.Ala590 residue is conserved in mammals but not in more distantly related organisms and computational analyses (SIFT, AlignGVGD, BLOSUM, PolyPhen-2, MutationTaster) provide inconsistent predicitons regarding the impact to the protein; this information is not predictive enough to rule out pathogenicity. In summary, based on the above information the clinical significance of this variant cannot be determined with certainty at this time. This variant is classified as a variant of uncertain significance.